The following is an entry in ClinVar:

ClinVar aggregate classification (germline): Pathogenic/Likely pathogenic. Review status: criteria provided, multiple submitters, no conflicts (2 of 4 stars). 3 submissions from 3 submitters: Pathogenic (1); Likely pathogenic (1). 1 of the submissions does not count toward it. Last evaluated 2025-10-01.

Conditions:
Progressive familial heart block type IB (PFHB1B). Identifiers: Orphanet 871, MedGen C1970298, MONDO:0011474, OMIM 604559.
Erythrokeratodermia variabilis et progressiva 6. Identifiers: MedGen C5193144, MONDO:0032801, OMIM 618531.

Allele frequency attached by ClinVar (database versions not stated): TOPMed 0.00001.

Submissions (3):

GeneDx
Classification: Likely pathogenic. Last evaluated: 2025-10-01. Review status: criteria provided, single submitter. Criteria: GeneDx Variant Classification Process June 2021. Collection method: clinical testing. Allele origin: germline. Affected: yes.
Comment: Hasnt been reported in association with TRPM4-related cardiac conduction disorder; however, has been reported in two Chinese families with progressive symmetric erythrokeratodermia (PSEK) and no cardiac phenotype mentioned (PMID: 30528822); Not observed in large population cohorts (gnomAD); In silico analysis supports that this missense variant has a deleterious effect on protein structure/function; Published functional studies demonstrate a gain-of-function effect, leading to PSEK (PMID: 30528822); This variant is associated with the following publications: (PMID: Martin2022[Case report], 30528822)

Labcorp Genetics (formerly Invitae), Labcorp
Classification: Pathogenic for Progressive familial heart block type IB. Last evaluated: 2021-03-15. Review status: criteria provided, single submitter. Criteria: Invitae Variant Classification Sherloc (09022015). Collection method: clinical testing. Allele origin: germline.
Comment: This sequence change replaces isoleucine with threonine at codon 1040 of the TRPM4 protein (p.Ile1040Thr). The isoleucine residue is highly conserved and there is a moderate physicochemical difference between isoleucine and threonine. This variant is not present in population databases (ExAC no frequency). This variant has been observed in individual(s) with autosomal dominant progressive symmetric erythrokeratodermia (PMID: 30528822). It has also been observed to segregate with disease in related individuals. ClinVar contains an entry for this variant (Variation ID: 652587). This variant has been reported to affect TRPM4 protein function (PMID: 30528822). For these reasons, this variant has been classified as Pathogenic.

OMIM
Classification: Pathogenic for ERYTHROKERATODERMIA VARIABILIS ET PROGRESSIVA 6. Last evaluated: 2019-08-09. Review status: no assertion criteria provided. Collection method: literature only. Allele origin: germline. Not counted in ClinVar's aggregate classification.

Literature cited by the submitters: PubMed 30528822 (cited by Labcorp Genetics (formerly Invitae), Labcorp and OMIM).

NM_017636.4(TRPM4):c.3119T>C (p.Ile1040Thr)

Gene: TRPM4 (transient receptor potential cation channel subfamily M member 4; plus strand). Cytogenetic location: 19q13.33.
Variant type: single nucleotide variant.
Coding change: c.3119T>C on transcript NM_017636.4 (MANE Select); coding-DNA position 3119, T replaced by C.
Protein change: p.Ile1040Thr; replaces isoleucine 1040 with threonine.
Molecular consequence: missense variant.
Genome position (GRCh38, 1-based): chr19:49,202,129, T>C. VCF-style: chr19-49202129-T-C. GRCh37 (hg19) VCF-style: chr19-49705386-T-C.
Other names: I1010T; c.2684T>C, p.Ile895Thr (NM_001195227.2); c.2774T>C, p.Ile925Thr (NM_001321281.2); c.1511T>C, p.Ile504Thr (NM_001321282.2); c.2597T>C, p.Ile866Thr (NM_001321283.2); c.2057T>C, p.Ile686Thr (NM_001321285.2); short protein forms I866T, I1040T, I504T, I686T, I895T, I925T.
Identifiers: ClinVar variation 652587 (VCV000652587.12), dbSNP rs1369949906, ClinGen allele CA406812996.